The following is an entry in ClinVar:

NM_006245.4(PPP2R5D):c.1776A>C (p.Glu592Asp)

Genes: MEA1 (male-enhanced antigen 1; minus strand), PPP2R5D (protein phosphatase 2 regulatory subunit B'delta; plus strand). Cytogenetic location: 6p21.1.
Variant type: single nucleotide variant.
Coding change: c.1776A>C on transcript NM_006245.4 (MANE Select); coding-DNA position 1776, A replaced by C.
Protein change: p.Glu592Asp; replaces glutamic acid 592 with aspartic acid.
Molecular consequence: missense variant. On other transcripts: 3 prime UTR variant (1).
Genome position (GRCh38, 1-based): chr6:43,011,253, A>C. VCF-style: chr6-43011253-A-C. GRCh37 (hg19) VCF-style: chr6-42978991-A-C.
Other names: c.*1217T>G (NM_014623.4); c.1323A>C, p.Glu441Asp (NM_001270476.2); c.1680A>C, p.Glu560Asp (NM_180976.3); c.1458A>C, p.Glu486Asp (NM_180977.3); short protein forms E560D, E441D, E592D, E486D.
Identifiers: ClinVar variation 2695243 (VCV002695243.3), dbSNP rs2532493641, ClinGen allele CA364142868.

ClinVar aggregate classification (germline): Uncertain significance (1 of 4 stars; one submission).

Submission:

Labcorp Genetics (formerly Invitae), Labcorp
Classification: Uncertain significance. Last evaluated: 2024-02-23. Review status: criteria provided, single submitter. Criteria: Invitae Variant Classification Sherloc (09022015). Collection method: clinical testing. Allele origin: germline.
Comment: This sequence change replaces glutamic acid, which is acidic and polar, with aspartic acid, which is acidic and polar, at codon 592 of the PPP2R5D protein (p.Glu592Asp). This variant is not present in population databases (gnomAD no frequency). This variant has not been reported in the literature in individuals affected with PPP2R5D-related conditions. An algorithm developed to predict the effect of missense changes on protein structure and function (PolyPhen-2) suggests that this variant is likely to be tolerated. In summary, the available evidence is currently insufficient to determine the role of this variant in disease. Therefore, it has been classified as a Variant of Uncertain Significance.